The following is an entry in ClinVar:

ClinVar aggregate classification (germline): Conflicting classifications of pathogenicity. Review status: criteria provided, conflicting classifications (1 of 4 stars). 5 submissions from 5 submitters: Uncertain significance (1); Likely benign (4). Last evaluated 2026-01-13.

Conditions:
Familial adenomatous polyposis 1 (FAP1). Also called: POLYPOSIS, ADENOMATOUS INTESTINAL; FAMILIAL ADENOMATOUS POLYPOSIS 1, ATTENUATED. Identifiers: MedGen C2713442, MONDO:0021056, OMIM 175100. Disease mechanism: loss of function.
Classic or attenuated familial adenomatous polyposis. Identifiers: MedGen CN372698, MONDO:0021057.
Hereditary cancer-predisposing syndrome. Also called: Hereditary Cancer Syndrome; Neoplastic Syndromes, Hereditary; Tumor predisposition; Hereditary neoplastic syndrome. Identifiers: Orphanet 140162, MedGen C0027672, MeSH D009386, MONDO:0015356.

Allele frequency attached by ClinVar (database versions not stated): ExAC 0.00001; gnomAD 0.00001; gnomAD exomes 0.00001 and 0.00004; TOPMed 0.00001.

Submissions (5):

Labcorp Genetics (formerly Invitae), Labcorp
Classification: Likely benign for Familial adenomatous polyposis 1. Last evaluated: 2026-01-13. Review status: criteria provided, single submitter. Criteria: Invitae Variant Classification Sherloc (09022015). Collection method: clinical testing. Allele origin: germline.

Myriad Genetics, Inc.
Classification: Likely benign for Familial adenomatous polyposis 1. Last evaluated: 2024-02-23. Review status: criteria provided, single submitter. Criteria: Myriad Autosomal Dominant, Autosomal Recessive and X-Linked Classification Criteria (2023). Collection method: clinical testing. Allele origin: unknown.
Comment: This variant is considered likely benign. This variant is intronic and is not expected to impact mRNA splicing.

All of Us Research Program, National Institutes of Health
Classification: Likely benign for Classic or attenuated familial adenomatous polyposis. Last evaluated: 2023-11-30. Review status: criteria provided, single submitter. Criteria: ACMG Guidelines, 2015. Collection method: clinical testing. Allele origin: germline. Inheritance: Autosomal dominant inheritance. Observed: 4 variant alleles, 4 heterozygotes.
Comment: This study involves interpretation of variants in research participants for the purpose of population health screening. Participant phenotype was not available at the time of variant classification. Additional details can be found in publication PMID: 35346344, PMCID: PMC8962531

Quest Diagnostics Nichols Institute San Juan Capistrano
Classification: Uncertain significance. Last evaluated: 2023-07-13. Review status: criteria provided, single submitter. Criteria: Quest Diagnostics criteria. Collection method: clinical testing. Allele origin: unknown.
Comment: To the best of our knowledge, this variant has not been reported in individuals with APC-related conditions in the published literature. The frequency of this variant in the general population, 0.000012 (3/246354 chromosomes (Genome Aggregation Database)), is uninformative in the assessment of its pathogenicity. Analysis of this variant using software algorithms for the prediction of the effect of nucleotide changes on splicing yielded predictions that this variant does not affect APC mRNA splicing . Based on the available information, we are unable to determine the clinical significance of this variant.

Color Diagnostics, LLC DBA Color Health
Classification: Likely benign for Hereditary cancer-predisposing syndrome. Last evaluated: 2017-05-09. Review status: criteria provided, single submitter. Criteria: ACMG Guidelines, 2015. Collection method: clinical testing. Allele origin: germline.

NM_000038.6(APC):c.532-9del

Gene: APC (APC regulator of Wnt signaling pathway; plus strand). Cytogenetic location: 5q22.2.
Variant type: Deletion.
Coding change: c.532-9del on transcript NM_000038.6 (MANE Select); 9 bases into the intron before coding-DNA position 532, one base deleted (T; older notation c.532-9delT).
Molecular consequence: intron variant.
Genome position (GRCh38, 1-based): chr5:112,780,781, T deleted. VCF-style (leftmost placement, unchanged base first): chr5-112780780-GT-G. GRCh37 (hg19) VCF-style: chr5-112116477-GT-G.
Other names: c.532-9del (NM_001354895.2, NM_001127510.3, NM_001354896.2 and 3 more transcripts); c.562-9del (NM_001354897.2, NM_001354902.2, NM_001127511.3); c.457-9del (NM_001354898.2, NM_001354904.2); c.-504-9del (NM_001354906.2); c.355-9del (NM_001354900.2, NM_001354901.2, NM_001354905.2).
Identifiers: ClinVar variation 490303 (VCV000490303.17), dbSNP rs777844116, ClinGen allele CA041581.
Genomic context (GRCh38, chr5:112,780,780, plus strand): 5'-ATGCTTTTTTGCTTTTACTGATTAACGTAAATACAAGATATTGATACTTTTTTATTATTT[GT>G]GGTTTTAGTTTTCCTTACAAACAGATATGACCAGAAGGCAATTGGAATATGAAGCAAGGC-3'